The following is an entry in ClinVar:

ClinVar aggregate classification (germline): Likely pathogenic. Review status: reviewed by expert panel (3 of 4 stars). 5 submissions from 5 submitters: Likely pathogenic (1). 4 of the submissions do not count toward it. Last evaluated 2025-06-11.

Conditions:
ATM-related cancer predisposition. Also called: ATM-related cancer susceptibility. Identifiers: MedGen CN377759, MONDO:0700270.
Hereditary cancer-predisposing syndrome. Also called: Hereditary Cancer Syndrome; Neoplastic Syndromes, Hereditary; Tumor predisposition; Hereditary neoplastic syndrome. Identifiers: Orphanet 140162, MedGen C0027672, MeSH D009386, MONDO:0015356.
Familial cancer of breast. Also called: BREAST CANCER, FAMILIAL; hereditary breast carcinoma; Hereditary breast cancer. Identifiers: Orphanet 227535, MedGen C0346153, MONDO:0016419, OMIM 114480. Disease mechanism: loss of function.
Ataxia-telangiectasia syndrome (AT). Also called: ATAXIA-TELANGIECTASIA, COMPLEMENTATION GROUP A; ATAXIA-TELANGIECTASIA, FRESNO VARIANT; Ataxia-telangiectasia; LOUIS-BAR SYNDROME; Ataxia telangiectasia (A-T); Ataxia-telangiectasia, complementation group D. Identifiers: Orphanet 100, MedGen C0004135, MONDO:0008840, OMIM 208900.

Allele frequency attached by ClinVar (database versions not stated): ExAC 0.00001; gnomAD exomes below 0.00001 and 0.00001.
gnomAD v4.1: 7 of 1,613,922 alleles (0.00043%); highest among the groups gnomAD compares: Non-Finnish European, 0.00059%; no homozygotes.

Submissions (5):

ClinGen Hereditary Breast, Ovarian and Pancreatic Cancer Variant Curation Expert Panel, ClinGen
Classification: Likely pathogenic for ATM-related cancer predisposition. Last evaluated: 2025-06-11. Review status: reviewed by expert panel. Criteria: ClinGen HBOP ACMG Specifications ATM V1.3.0. Collection method: curation. Allele origin: germline. Inheritance: Autosomal dominant inheritance.
Comment: The ATM c.3284G>A (p.Arg1095Lys) variant in ATM is a missense variant occurring in last base pair of exon 22. It is predicted to cause skipping of a biologically-relevant-exon, resulting in a frameshift leading to nonsense mediated decay in a gene in which loss-of-function is an established disease mechanism. Another variant at the same nucleotide position (c.3284G>C) is classified as likely pathogenic by the HBOP VCEP. The SpliceAI predictions indicate that the two variants are likely to lead to the same event (disruption of the donor splice site of intron 21 in ATM). These observations suggest that the variant has an impact on splicing consistent with pathogenicity. The highest population minor allele frequency in gnomAD v4.1.0 is 0.000005932 in the European (non-Finnish) population, which is lower than the HBOP threshold (≤0.00001) for PM2_Supporting, meeting this criterion. In summary, this variant meets the criteria to be classified as likely pathogenic for autosomal dominant ATM-related cancer predisposition and autosomal recessive Ataxia-Telangiectasia based on the ACMG/AMP criteria applied as specified by the HBOP VCEP. (PVS1_Strong, PS1_Moderate(Splicing), PM2_Supporting)

Ambry Genetics
Classification: Likely pathogenic for Hereditary cancer-predisposing syndrome. Last evaluated: 2026-02-18. Review status: criteria provided, single submitter. Criteria: Ambry Variant Classification Scheme 2023. Collection method: clinical testing. Allele origin: germline. Not counted in ClinVar's aggregate classification.
Comment: The c.3284G>A variant (also known as p.R1095K) is located in coding exon 21 of the ATM gene. This alteration results from a G to A substitution at nucleotide position 3284. The arginine at codon 1095 is replaced by lysine, an amino acid with highly similar properties. This change occurs in the last base pair of coding exon 21, which makes it likely to have some effect on normal mRNA splicing. A different alteration at the same nucleotide position, c.3284G>C, was reported in 1 of 41 ataxia telangiectasia (AT) families, in conjunction with a pathogenic ATM mutation; in addition, RNA analysis demonstrated aberrant splicing (Laake K et al. Hum Mutat. 2000 Sep;16(3):232-46). In an assay testing ATM function, this variant showed a functionally abnormal result (Lee KS et al. Cell 2025 Sep;188(18):5081-5099.e27). This variant is considered to be rare based on population cohorts in the Genome Aggregation Database (gnomAD). This nucleotide position is highly conserved in available vertebrate species. In silico splice site analysis predicts that this alteration will weaken the native splice donor site. Based on the majority of available evidence to date, this variant is likely to be pathogenic.

Myriad Genetics, Inc.
Classification: Likely pathogenic for Familial cancer of breast. Last evaluated: 2025-08-04. Review status: criteria provided, single submitter. Criteria: Myriad Autosomal Dominant, Autosomal Recessive and X-Linked Classification Criteria (2023). Collection method: clinical testing. Allele origin: unknown. Not counted in ClinVar's aggregate classification.
Comment: This variant is considered likely pathogenic. mRNA analysis has demonstrated abnormal mRNA splicing occurs [Myriad internal data].

Women's Health and Genetics/Laboratory Corporation of America, LabCorp
Classification: Likely pathogenic for Ataxia-telangiectasia syndrome. Last evaluated: 2025-06-11. Review status: criteria provided, single submitter. Criteria: LabCorp Variant Classification Summary - May 2015. Collection method: clinical testing. Allele origin: germline. Not counted in ClinVar's aggregate classification.
Comment: Variant summary: ATM c.3284G>A (p.Arg1095Lys) occurs at the last nucleotide of exon 22 and results in a conservative amino acid change in the encoded protein sequence. Algorithms developed to predict the effect of missense changes on protein structure and function are either unavailable or do not agree on the potential impact of this missense change. Several computational tools predict a significant impact on normal splicing: Three predict the variant abolishes a 5' splicing donor site. One predicts the variant no significant impact on splicing. Internal data show that this variant affects mRNA splicing, resulting in skipping of exon 22 which is predicted to result in nonsense mediated decay (Labcorp Genetics (formerly Invitae)). The variant allele was found at a frequency of 4e-06 in 251024 control chromosomes. c.3284G>A has been observed in the presumed heterozygous state in at least 1 individual(s) affected with clinical features of hereditary breast and ovarian cancer (Guglielmi_2021). These report(s) do not provide unequivocal conclusions about association of the variant with ATM-related conditions. The following publications have been ascertained in the context of this evaluation (PMID: 34299313). ClinVar contains an entry for this variant (Variation ID: 141522). Based on the evidence outlined above, the variant was classified as likely pathogenic.

Labcorp Genetics (formerly Invitae), Labcorp
Classification: Likely pathogenic for Ataxia-telangiectasia syndrome. Last evaluated: 2024-04-03. Review status: criteria provided, single submitter. Criteria: Invitae Variant Classification Sherloc (09022015). Collection method: clinical testing. Allele origin: germline. Not counted in ClinVar's aggregate classification.
Comment: This sequence change replaces arginine, which is basic and polar, with lysine, which is basic and polar, at codon 1095 of the ATM protein (p.Arg1095Lys). RNA analysis indicates that this missense change induces altered splicing and may result in an absent or disrupted protein product. This variant is present in population databases (rs587781815, gnomAD 0.0009%). This variant has not been reported in the literature in individuals affected with ATM-related conditions. ClinVar contains an entry for this variant (Variation ID: 141522). An algorithm developed to predict the effect of missense changes on protein structure and function (PolyPhen-2) suggests that this variant is likely to be tolerated. Variants that disrupt the consensus splice site are a relatively common cause of aberrant splicing (PMID: 17576681, 9536098). Studies have shown that this missense change results in skipping of exon 22 and introduces a premature termination codon (Invitae). The resulting mRNA is expected to undergo nonsense-mediated decay. In summary, the currently available evidence indicates that the variant is pathogenic, but additional data are needed to prove that conclusively. Therefore, this variant has been classified as Likely Pathogenic.

Literature cited by the submitters: PubMed 10980530 (cited by Ambry Genetics); PubMed 34299313 (cited by Women's Health and Genetics/Laboratory Corporation of America, LabCorp); PubMed 17576681 (cited by Labcorp Genetics (formerly Invitae), Labcorp); PubMed 9536098 (cited by Labcorp Genetics (formerly Invitae), Labcorp).

NM_000051.4(ATM):c.3284G>A (p.Arg1095Lys)

Gene: ATM (ATM serine/threonine kinase; plus strand). Cytogenetic location: 11q22.3.
Variant type: single nucleotide variant.
Coding change: c.3284G>A on transcript NM_000051.4 (MANE Select); coding-DNA position 3284, G replaced by A.
Protein change: p.Arg1095Lys; replaces arginine 1095 with lysine.
Molecular consequence: missense variant.
Genome position (GRCh38, 1-based): chr11:108,272,852, G>A. VCF-style: chr11-108272852-G-A. GRCh37 (hg19) VCF-style: chr11-108143579-G-A.
Other names: NM_000051.3(ATM):c.3284G>A; p.Arg1095Lys; c.3284G>A, p.Arg1095Lys (NM_001351834.2); short protein forms R1095K.
Identifiers: ClinVar variation 141522 (VCV000141522.21), dbSNP rs587781815, ClinGen allele CA165678.
Genomic context (GRCh38, chr11:108,272,852, plus strand): 5'-CACAATTTCTTGCTGACAATCATCACCAAGTTCGCATGTTGGCTGCAGAGTCAATCAATA[G>A]GTAATGGGTCAAATATTCATGAAGTATTTGGAATGCTGCAGATGGCAGTAGAATGTCTTA-3'
Protein context (NP_000042.3, residues 1085-1105): VRMLAAESIN[Arg1095Lys]LFQDTKGDSS